The following is an entry in ClinVar:

ClinVar aggregate classification (germline): Uncertain significance (1 of 4 stars; one submission).

Submission:

Dasa
Classification: Uncertain significance. Last evaluated: 2026-03-03. Review status: criteria provided, single submitter. Criteria: DASA Assertion Criteria. Collection method: clinical testing. Allele origin: germline.
Comment: NM_000744.7(CHRNA4):c.1324C>T (p.Pro442Ser) is a missense variant that results in the substitution of proline with serine. This variant is rare in population databases. The currently available literature and clinical evidence are not sufficient to establish a definitive association between this variant and the reported condition. Therefore, this variant is classified as a variant of uncertain significance.

NM_000744.7(CHRNA4):c.1324C>T (p.Pro442Ser)

Gene: CHRNA4 (cholinergic receptor nicotinic alpha 4 subunit; minus strand). Cytogenetic location: 20q13.33.
Variant type: single nucleotide variant.
Coding change: c.1324C>T on transcript NM_000744.7 (MANE Select); coding-DNA position 1324, C replaced by T.
Protein change: p.Pro442Ser; replaces proline 442 with serine.
Molecular consequence: missense variant. On other transcripts: non-coding transcript variant (1).
Genome position (GRCh38, 1-based): chr20:63,350,087, G>A on the plus strand (C>T on the coding strand, the complement: CHRNA4 is on the minus strand). VCF-style: chr20-63350087-G-A. GRCh37 (hg19) VCF-style: chr20-61981439-G-A.
Other names: c.796C>T, p.Pro266Ser (NM_001256573.2); short protein forms P266S, P442S.
Identifiers: ClinVar variation 4886183 (VCV004886183.2).
Genomic context (GRCh38, chr20:63,350,087, plus strand): 5'-TGGCCAGCCCTGGTGCCTGGGTGCCGTGGGGCGGGCGGCAGGGTCCAGGCGAGGGGTGGG[G>A]GCTGGCTTTCTCAGCTTCCAGGGGCTGCTGAGGAGGGAGCTGGTCGGAGGGTGACTTGCA-3'
Protein context (NP_000735.1, residues 432-452): QQPLEAEKAS[Pro442Ser]HPSPGPCRPP